The following is an entry in ClinVar:

NM_002473.6(MYH9):c.5061+5G>A

Gene: MYH9 (myosin heavy chain 9; minus strand). Cytogenetic location: 22q12.3.
Variant type: single nucleotide variant.
Coding change: c.5061+5G>A on transcript NM_002473.6 (MANE Select); 5 bases into the intron after coding-DNA position 5061, G replaced by A.
Molecular consequence: intron variant.
Genome position (GRCh38, 1-based): chr22:36,286,713, C>T on the plus strand (G>A on the coding strand, the complement: MYH9 is on the minus strand). VCF-style: chr22-36286713-C-T. GRCh37 (hg19) VCF-style: chr22-36682759-C-T.
Identifiers: ClinVar variation 2631768 (VCV002631768.1), dbSNP rs2517950191, ClinGen allele CA2577702268.

ClinVar aggregate classification (germline): Uncertain significance (1 of 4 stars; one submission).

Conditions:
MYH9-related disorder. Identifiers: MedGen C1854520.

Submission:

PreventionGenetics, part of Exact Sciences
Classification: Uncertain significance for MYH9-related condition. Last evaluated: 2023-08-05. Review status: criteria provided, single submitter. Criteria: ACMG Guidelines, 2015. Collection method: clinical testing. Allele origin: germline.
Comment: The MYH9 c.5061+5G>A variant is predicted to interfere with splicing. which is predicted to significantly weaken the canonical donor splice site (Alamut Visual Plus v1.6.1). To our knowledge, this variant has not been reported in the literature or in a large population database, indicating this variant is rare. At this time, the clinical significance of this variant is uncertain due to the absence of conclusive functional and genetic evidence.